The following is an entry in ClinVar:

ClinVar aggregate classification (germline): Uncertain significance. Review status: criteria provided, multiple submitters, no conflicts (2 of 4 stars). 3 submissions from 3 submitters: Uncertain significance (3). Last evaluated 2025-02-06.

Conditions:
Imerslund-Grasbeck syndrome. Also called: Imerslund-Gräsbeck syndrome; PERNICIOUS ANEMIA, JUVENILE, DUE TO SELECTIVE INTESTINAL MALABSORPTION OF VITAMIN B12, WITH PROTEINURIA; ENTEROCYTE COBALAMIN MALABSORPTION; ENTEROCYTE INTRINSIC FACTOR RECEPTOR, DEFECT OF; Megaloblastic anemia due to inborn errors of metabolism. Identifiers: Orphanet 35858, MedGen C4551825, MONDO:0009853.
Inborn genetic diseases. Identifiers: MedGen C0950123, MeSH D030342.
Imerslund-Grasbeck syndrome type 2. Also called: Megaloblastic anemia 1, Norwegian type; MEGALOBLASTIC ANEMIA, NORWEGIAN TYPE; Imerslund-Gräsbeck syndrome 2. Identifiers: MedGen C4016948, MONDO:0100157, OMIM 618882.

Allele frequency attached by ClinVar (database versions not stated): ExAC 0.00004; TOPMed 0.00008; gnomAD exomes 0.00005; gnomAD 0.00007; ESP Exome Variant Server 0.00015.

Submissions (3):

Ambry Genetics
Classification: Uncertain significance for Inborn genetic diseases. Last evaluated: 2025-02-06. Review status: criteria provided, single submitter. Criteria: Ambry Variant Classification Scheme 2023. Collection method: clinical testing. Allele origin: germline.

Fulgent Genetics
Classification: Uncertain significance for Imerslund-Grasbeck syndrome type 2. Last evaluated: 2024-05-01. Review status: criteria provided, single submitter. Criteria: ACMG Guidelines, 2015. Collection method: clinical testing. Allele origin: germline.

Labcorp Genetics (formerly Invitae), Labcorp
Classification: Uncertain significance for Imerslund-Grasbeck syndrome. Last evaluated: 2022-07-29. Review status: criteria provided, single submitter. Criteria: Invitae Variant Classification Sherloc (09022015). Collection method: clinical testing. Allele origin: germline.
Comment: This sequence change replaces valine, which is neutral and non-polar, with alanine, which is neutral and non-polar, at codon 66 of the AMN protein (p.Val66Ala). This variant is present in population databases (rs371713937, gnomAD 0.01%). This variant has not been reported in the literature in individuals affected with AMN-related conditions. ClinVar contains an entry for this variant (Variation ID: 1414197). Algorithms developed to predict the effect of missense changes on protein structure and function are either unavailable or do not agree on the potential impact of this missense change (SIFT: "Deleterious"; PolyPhen-2: "Benign"; Align-GVGD: "Class C15"). In summary, the available evidence is currently insufficient to determine the role of this variant in disease. Therefore, it has been classified as a Variant of Uncertain Significance.

NM_030943.4(AMN):c.197T>C (p.Val66Ala)

Gene: AMN (amnion associated transmembrane protein; plus strand). Cytogenetic location: 14q32.32.
Variant type: single nucleotide variant.
Coding change: c.197T>C on transcript NM_030943.4 (MANE Select); coding-DNA position 197, T replaced by C.
Protein change: p.Val66Ala; replaces valine 66 with alanine.
Molecular consequence: missense variant.
Genome position (GRCh38, 1-based): chr14:102,923,969, T>C. VCF-style: chr14-102923969-T-C. GRCh37 (hg19) VCF-style: chr14-103390306-T-C.
Other names: c.197T>C (NM_030943.3); short protein forms V66A.
Identifiers: ClinVar variation 1414197 (VCV001414197.8), dbSNP rs371713937, ClinGen allele CA7359796.